The following is an entry in ClinVar:

ClinVar aggregate classification (germline): Benign (1 of 4 stars; one submission).

Conditions:
Bilateral frontoparietal polymicrogyria. Also called: CEREBELLAR ATAXIA WITH NEURONAL MIGRATION DEFECT; CORTICAL DYSPLASIA, COMPLEX, WITH OTHER BRAIN MALFORMATIONS 14A (BILATERAL FRONTOPARIETAL). Identifiers: Orphanet 101070, MedGen C1847352, MONDO:0011738, OMIM 606854.

Allele frequency attached by ClinVar (database versions not stated): gnomAD 0.00477 and 0.00511; TOPMed 0.00532; 1000 Genomes Project 0.00559; 1000 Genomes Project 30x 0.00593.

Submission:

Illumina Laboratory Services, Illumina
Classification: Benign for Bilateral frontoparietal polymicrogyria. Last evaluated: 2018-01-12. Review status: criteria provided, single submitter. Criteria: ICSL Variant Classification Criteria 13 December 2019. Collection method: clinical testing. Allele origin: germline.
Comment: This variant was observed in the ICSL laboratory as part of a predisposition screen in an ostensibly healthy population. It had not been previously curated by ICSL or reported in the Human Gene Mutation Database (HGMD: prior to June 1st, 2018), and was therefore a candidate for classification through an automated scoring system. Utilizing variant allele frequency, disease prevalence and penetrance estimates, and inheritance mode, an automated score was calculated to assess if this variant is too frequent to cause the disease. Based on the score and internal cut-off values, a variant classified as benign is not then subjected to further curation. The score for this variant resulted in a classification of benign for this disease.

NM_201525.4(ADGRG1):c.*1365A>G

Gene: ADGRG1 (adhesion G protein-coupled receptor G1; plus strand). Cytogenetic location: 16q21.
Variant type: single nucleotide variant.
Coding change: c.*1365A>G on transcript NM_201525.4 (MANE Select); 1365 bases downstream of the stop codon, A replaced by G.
Molecular consequence: 3 prime UTR variant.
Genome position (GRCh38, 1-based): chr16:57,664,947, A>G. VCF-style: chr16-57664947-A-G. GRCh37 (hg19) VCF-style: chr16-57698859-A-G.
Other names: c.*1365A>G (NM_001145770.3, NM_001145771.3, NM_001145772.3 and 25 more transcripts).
Identifiers: ClinVar variation 885979 (VCV000885979.4), dbSNP rs115230856, ClinGen allele CA281584812.